The following is an entry in ClinVar:

ClinVar aggregate classification (germline): Uncertain significance. Review status: criteria provided, multiple submitters, no conflicts (2 of 4 stars). 3 submissions from 3 submitters: Uncertain significance (3). Last evaluated 2026-06-15.

Conditions:
HSD17B4-related disorder. Also called: HSD17B4-related condition; HSD17B4-related disorders.
Inborn genetic diseases. Identifiers: MedGen C0950123, MeSH D030342.

Allele frequency attached by ClinVar (database versions not stated): ExAC 0.00002; gnomAD exomes 0.00002; gnomAD 0.00003; TOPMed 0.00003; ESP Exome Variant Server 0.00008.
gnomAD v4.1: 30 of 1,612,820 alleles (0.0019%); highest among the groups gnomAD compares: Non-Finnish European, 0.0023%; no homozygotes.

Submissions (3):

PreventionGenetics, part of Exact Sciences
Classification: Uncertain significance for HSD17B4-related condition. Last evaluated: 2026-06-15. Review status: criteria provided, single submitter. Criteria: ACMG Guidelines, 2015. Collection method: clinical testing. Allele origin: germline.
Comment: The HSD17B4 c.1900C>T variant is predicted to result in the amino acid substitution p.Arg634Cys. To our knowledge, this variant has not been reported in the literature. This variant is reported in 0.0079% of alleles in individuals of European (Non-Finnish) descent in gnomAD. At this time, the clinical significance of this variant is uncertain due to the absence of conclusive functional and genetic evidence.

Ambry Genetics
Classification: Uncertain significance for Inborn genetic diseases. Last evaluated: 2024-12-28. Review status: criteria provided, single submitter. Criteria: Ambry Variant Classification Scheme 2023. Collection method: clinical testing. Allele origin: germline.

GeneDx
Classification: Uncertain significance. Last evaluated: 2023-03-21. Review status: criteria provided, single submitter. Criteria: GeneDx Variant Classification Process June 2021. Collection method: clinical testing. Allele origin: germline. Affected: yes.
Comment: Not observed at significant frequency in large population cohorts (gnomAD); In silico analysis supports that this missense variant has a deleterious effect on protein structure/function; Has not been previously published as pathogenic or benign to our knowledge

NM_000414.4(HSD17B4):c.1900C>T (p.Arg634Cys)

Gene: HSD17B4 (hydroxysteroid 17-beta dehydrogenase 4; plus strand). Cytogenetic location: 5q23.1.
Variant type: single nucleotide variant.
Coding change: c.1900C>T on transcript NM_000414.4 (MANE Select); coding-DNA position 1900, C replaced by T.
Protein change: p.Arg634Cys; replaces arginine 634 with cysteine.
Molecular consequence: missense variant. On other transcripts: non-coding transcript variant (2).
Genome position (GRCh38, 1-based): chr5:119,531,311, C>T. VCF-style: chr5-119531311-C-T. GRCh37 (hg19) VCF-style: chr5-118867006-C-T.
Other names: c.1975C>T, p.Arg659Cys (NM_001199291.3); c.1846C>T, p.Arg616Cys (NM_001199292.2); c.1828C>T, p.Arg610Cys (NM_001292027.2, NM_001374498.1); c.1480C>T, p.Arg494Cys (NM_001292028.2); c.1891C>T, p.Arg631Cys (NM_001374497.1); c.1573C>T, p.Arg525Cys (NM_001374499.1); c.1459C>T, p.Arg487Cys (NM_001374500.1); c.1489C>T, p.Arg497Cys (NM_001374501.1, NM_001374502.1, NM_001374503.1); short protein forms R487C, R494C, R497C, R525C, R610C, R616C, R631C, R634C.
Identifiers: ClinVar variation 2580410 (VCV002580410.3), dbSNP rs201560431, ClinGen allele CA3382460.